The following is an entry in ClinVar:

ClinVar aggregate classification (germline): Uncertain significance (1 of 4 stars; one submission).

Conditions:
Chuvash polycythemia. Also called: POLYCYTHEMIA, VHL-DEPENDENT. Identifiers: Orphanet 238557, MedGen C1837915, MONDO:0009892, OMIM 263400.
Von Hippel-Lindau syndrome (VHLS). Also called: von Hippel–Lindau syndrome; VHL syndrome; Von Hippel-Lindau. Identifiers: Orphanet 892, MedGen C0019562, MONDO:0008667, OMIM 193300. Disease mechanism: loss of function.

Submission:

Labcorp Genetics (formerly Invitae), Labcorp
Classification: Uncertain significance for Von Hippel-Lindau syndrome; Chuvash polycythemia. Last evaluated: 2025-12-22. Review status: criteria provided, single submitter. Criteria: Invitae Variant Classification Sherloc (09022015). Collection method: clinical testing. Allele origin: germline.
Comment: This sequence change creates a premature translational stop signal (p.Glu12Glyfs*14) in the VHL gene. It is unclear whether it will result in an absent or disrupted protein product because an in-frame methionine located at codon 54 has the potential to rescue this variant. This variant is not present in population databases (gnomAD no frequency). This variant has not been reported in the literature in individuals affected with VHL-related conditions. Several studies have shown that the VHL protein created from a downstream methionine located at codon 54 is biologically active, and exhibits properties similar to the full-length, wild-type protein (PMID: 9671762, 9751722). In summary, the available evidence is currently insufficient to determine the role of this variant in disease. Therefore, it has been classified as a Variant of Uncertain Significance.

Literature cited by the submitters: PubMed 9671762; PubMed 9751722.

NM_000551.4(VHL):c.33_34del (p.Glu12fs)

Gene: VHL (von Hippel-Lindau tumor suppressor; plus strand). Cytogenetic location: 3p25.3.
Variant type: Deletion.
Coding change: c.33_34del on transcript NM_000551.4 (MANE Select); coding-DNA positions 33 to 34, 2 bases deleted (CG; older notation c.33_34delCG).
Protein change: p.Glu12fs; shifts the reading frame from glutamic acid 12.
Molecular consequence: frameshift variant. On other transcripts: non-coding transcript variant (1).
Genome position (GRCh38, 1-based): chr3:10,141,880-10,141,881, CG deleted. VCF-style (leftmost placement, unchanged base first): chr3-10141879-CCG-C. GRCh37 (hg19) VCF-style: chr3-10183563-CCG-C.
Other names: c.33_34del, p.Glu12fs (NM_001354723.2, NM_198156.3); short protein forms E12fs.
Identifiers: ClinVar variation 4787102 (VCV004787102.1).